The following is an entry in ClinVar:

ClinVar aggregate classification (germline): Uncertain significance (1 of 4 stars; one submission).

Submissions (2):

Labcorp Genetics (formerly Invitae), Labcorp
Classification: Uncertain significance. Last evaluated: 2024-05-04. Review status: criteria provided, single submitter. Criteria: Invitae Variant Classification Sherloc (09022015). Collection method: clinical testing. Allele origin: germline.
Comment: This sequence change replaces aspartic acid, which is acidic and polar, with glycine, which is neutral and non-polar, at codon 285 of the PPP1CB protein (p.Asp285Gly). This variant is not present in population databases (gnomAD no frequency). This variant has not been reported in the literature in individuals affected with PPP1CB-related conditions. Advanced modeling of protein sequence and biophysical properties (such as structural, functional, and spatial information, amino acid conservation, physicochemical variation, residue mobility, and thermodynamic stability) performed at Invitae indicates that this missense variant is not expected to disrupt PPP1CB protein function with a negative predictive value of 80%. In summary, the available evidence is currently insufficient to determine the role of this variant in disease. Therefore, it has been classified as a Variant of Uncertain Significance.

Dr. Peter K. Rogan Lab, Western University
No classification provided (evidence only). Condition: Uterine corpus endometrial carcinoma. Review status: no classification provided. Collection method: in vitro. Allele origin: not applicable. Functional consequence: retained intron. Not counted in ClinVar's aggregate classification.

NM_002709.3(PPP1CB):c.854A>G (p.Asp285Gly)

Gene: PPP1CB (protein phosphatase 1 catalytic subunit beta; plus strand). Cytogenetic location: 2p23.2.
Variant type: single nucleotide variant.
Coding change: c.854A>G on transcript NM_002709.3 (MANE Select); coding-DNA position 854, A replaced by G.
Protein change: p.Asp285Gly; replaces aspartic acid 285 with glycine.
Molecular consequence: missense variant.
Genome position (GRCh38, 1-based): chr2:28,793,972, A>G. VCF-style: chr2-28793972-A-G. GRCh37 (hg19) VCF-style: chr2-29016838-A-G.
Other names: c.854A>G, p.Asp285Gly (NM_206876.2); short protein forms D285G.
Identifiers: ClinVar variation 3652118 (VCV003652118.3).